The following is an entry in ClinVar:

NM_006509.4(RELB):c.159A>T (p.Glu53Asp)

Gene: RELB (RELB proto-oncogene, NF-kB subunit; plus strand). Cytogenetic location: 19q13.32.
Variant type: single nucleotide variant.
Coding change: c.159A>T on transcript NM_006509.4 (MANE Select); coding-DNA position 159, A replaced by T.
Protein change: p.Glu53Asp; replaces glutamic acid 53 with aspartic acid.
Molecular consequence: missense variant. On other transcripts: intron variant (1).
Genome position (GRCh38, 1-based): chr19:45,009,818, A>T. VCF-style: chr19-45009818-A-T. GRCh37 (hg19) VCF-style: chr19-45513076-A-T.
Other names: c.155-2118A>T (NM_001411087.1); short protein forms E53D.
Identifiers: ClinVar variation 3690952 (VCV003690952.2).

ClinVar aggregate classification (germline): Uncertain significance (1 of 4 stars; one submission).

gnomAD v4.1: 15 of 1,598,570 alleles (0.00094%); highest among the groups gnomAD compares: South Asian, 0.014%; no homozygotes.

Submission:

Labcorp Genetics (formerly Invitae), Labcorp
Classification: Uncertain significance. Last evaluated: 2024-12-04. Review status: criteria provided, single submitter. Criteria: Invitae Variant Classification Sherloc (09022015). Collection method: clinical testing. Allele origin: germline.
Comment: This sequence change replaces glutamic acid, which is acidic and polar, with aspartic acid, which is acidic and polar, at codon 53 of the RELB protein (p.Glu53Asp). This variant is present in population databases (rs773409562, gnomAD 0.02%). This variant has not been reported in the literature in individuals affected with RELB-related conditions. An algorithm developed to predict the effect of missense changes on protein structure and function (PolyPhen-2) suggests that this variant is likely to be tolerated. In summary, the available evidence is currently insufficient to determine the role of this variant in disease. Therefore, it has been classified as a Variant of Uncertain Significance.